The following is an entry in ClinVar:

ClinVar aggregate classification (germline): Uncertain significance (1 of 4 stars; one submission).

Allele frequency attached by ClinVar (database versions not stated): gnomAD 0.00001; TOPMed 0.00001; ExAC 0.00002.
gnomAD v4.1: 10 of 1,596,612 alleles (0.00063%); highest among the groups gnomAD compares: African/African-American, 0.0013%; no homozygotes.

Submission:

Labcorp Genetics (formerly Invitae), Labcorp
Classification: Uncertain significance. Last evaluated: 2022-02-17. Review status: criteria provided, single submitter. Criteria: Invitae Variant Classification Sherloc (09022015). Collection method: clinical testing. Allele origin: germline.
Comment: This variant has not been reported in the literature in individuals affected with DOCK6-related conditions. This variant is not present in population databases (gnomAD no frequency). This sequence change replaces arginine, which is basic and polar, with glutamine, which is neutral and polar, at codon 645 of the DOCK6 protein (p.Arg645Gln). Algorithms developed to predict the effect of missense changes on protein structure and function (SIFT, PolyPhen-2, Align-GVGD) all suggest that this variant is likely to be tolerated. In summary, the available evidence is currently insufficient to determine the role of this variant in disease. Therefore, it has been classified as a Variant of Uncertain Significance.

NM_020812.4(DOCK6):c.1934G>A (p.Arg645Gln)

Gene: DOCK6 (dedicator of cytokinesis 6; minus strand). Cytogenetic location: 19p13.2.
Variant type: single nucleotide variant.
Coding change: c.1934G>A on transcript NM_020812.4 (MANE Select); coding-DNA position 1934, G replaced by A.
Protein change: p.Arg645Gln; replaces arginine 645 with glutamine.
Molecular consequence: missense variant.
Genome position (GRCh38, 1-based): chr19:11,237,678, C>T on the plus strand (G>A on the coding strand, the complement: DOCK6 is on the minus strand). VCF-style: chr19-11237678-C-T. GRCh37 (hg19) VCF-style: chr19-11348354-C-T.
Other names: c.1934G>A, p.Arg645Gln (NM_001367830.1); short protein forms R645Q.
Identifiers: ClinVar variation 2176341 (VCV002176341.4), dbSNP rs780607493, ClinGen allele CA9207800.